The following is an entry in ClinVar:

NM_003332.4(TYROBP):c.296C>T (p.Ser99Leu)

Gene: TYROBP (transmembrane immune signaling adaptor TYROBP; minus strand). Cytogenetic location: 19q13.12.
Variant type: single nucleotide variant.
Coding change: c.296C>T on transcript NM_003332.4 (MANE Select); coding-DNA position 296, C replaced by T.
Protein change: p.Ser99Leu; replaces serine 99 with leucine.
Molecular consequence: missense variant. On other transcripts: non-coding transcript variant (1).
Genome position (GRCh38, 1-based): chr19:35,904,615, G>A on the plus strand (C>T on the coding strand, the complement: TYROBP is on the minus strand). VCF-style: chr19-35904615-G-A. GRCh37 (hg19) VCF-style: chr19-36395517-G-A.
Other names: c.263C>T, p.Ser88Leu (NM_001173514.2); c.260C>T, p.Ser87Leu (NM_001173515.2); c.293C>T, p.Ser98Leu (NM_198125.3); short protein forms S88L, S99L, S98L, S87L.
Identifiers: ClinVar variation 2063515 (VCV002063515.4), dbSNP rs773078824, ClinGen allele CA9393007.
Genomic context (GRCh38, chr19:35,904,615, plus strand): 5'-GTCATGATTCGGGCTCATTTGTAATACGGCCTCTGTGTGTTGAGGTCGCTGTAGACATCC[G>A]ACCTCTGACCCTGGAGCTCCTAAAGGAATGGGGGCCATCAGTGGAAGGGACCCACCAAAT-3'
Protein context (NP_003323.1, residues 89-109): SPYQELQGQR[Ser99Leu]DVYSDLNTQR

ClinVar aggregate classification (germline): Uncertain significance. Review status: criteria provided, multiple submitters, no conflicts (2 of 4 stars). 2 submissions from 2 submitters: Uncertain significance (2). Last evaluated 2025-10-18.

Conditions:
Inborn genetic diseases. Identifiers: MedGen C0950123, MeSH D030342.

Allele frequency attached by ClinVar (database versions not stated): ExAC 0.00002.
gnomAD v4.1: 41 of 1,613,128 alleles (0.0025%); highest among the groups gnomAD compares: South Asian, 0.0066%; no homozygotes.

Submissions (2):

Ambry Genetics
Classification: Uncertain significance for Inborn genetic diseases. Last evaluated: 2025-10-18. Review status: criteria provided, single submitter. Criteria: Ambry Variant Classification Scheme 2023. Collection method: clinical testing. Allele origin: germline.

Labcorp Genetics (formerly Invitae), Labcorp
Classification: Uncertain significance. Last evaluated: 2022-11-22. Review status: criteria provided, single submitter. Criteria: Invitae Variant Classification Sherloc (09022015). Collection method: clinical testing. Allele origin: germline.
Comment: This variant is present in population databases (rs773078824, gnomAD 0.007%). In summary, the available evidence is currently insufficient to determine the role of this variant in disease. Therefore, it has been classified as a Variant of Uncertain Significance. Algorithms developed to predict the effect of missense changes on protein structure and function are either unavailable or do not agree on the potential impact of this missense change (SIFT: "Not Available"; PolyPhen-2: "Benign"; Align-GVGD: "Not Available"). This variant has not been reported in the literature in individuals affected with TYROBP-related conditions. This sequence change replaces serine, which is neutral and polar, with leucine, which is neutral and non-polar, at codon 99 of the TYROBP protein (p.Ser99Leu).